The following is an entry in ClinVar:

ClinVar aggregate classification (germline): Uncertain significance (1 of 4 stars; one submission).

Conditions:
Hereditary cancer-predisposing syndrome. Also called: Hereditary Cancer Syndrome; Tumor predisposition; Hereditary neoplastic syndrome; Neoplastic Syndromes, Hereditary. Identifiers: Orphanet 140162, MedGen C0027672, MeSH D009386, MONDO:0015356.

gnomAD v4.1: 1 of 1,614,028 alleles (0.000062%); highest among the groups gnomAD compares: Non-Finnish European, 0.000085%; no homozygotes.

Submission:

Ambry Genetics
Classification: Uncertain significance for Hereditary cancer-predisposing syndrome. Last evaluated: 2024-09-30. Review status: criteria provided, single submitter. Criteria: Ambry Variant Classification Scheme 2023. Collection method: clinical testing. Allele origin: germline.
Comment: The p.V1370A variant (also known as c.4109T>C), located in coding exon 20 of the MET gene, results from a T to C substitution at nucleotide position 4109. The valine at codon 1370 is replaced by alanine, an amino acid with similar properties. This amino acid position is conserved. In addition, the in silico prediction for this alteration is inconclusive. Based on the available evidence, the clinical significance of this variant remains unclear.

NM_000245.4(MET):c.4055T>C (p.Val1352Ala)

Gene: MET (MET proto-oncogene, receptor tyrosine kinase; plus strand). Cytogenetic location: 7q31.2.
Variant type: single nucleotide variant.
Coding change: c.4055T>C on transcript NM_000245.4 (MANE Select); coding-DNA position 4055, T replaced by C.
Protein change: p.Val1352Ala; replaces valine 1352 with alanine.
Molecular consequence: missense variant.
Genome position (GRCh38, 1-based): chr7:116,796,006, T>C. VCF-style: chr7-116796006-T-C. GRCh37 (hg19) VCF-style: chr7-116436060-T-C.
Other names: c.4109T>C, p.Val1370Ala (NM_001127500.3); c.2765T>C, p.Val922Ala (NM_001324402.2); short protein forms V1370A, V1352A, V922A.
Identifiers: ClinVar variation 3395163 (VCV003395163.1).